The following is an entry in ClinVar:

ClinVar aggregate classification (germline): Conflicting classifications of pathogenicity. Review status: criteria provided, conflicting classifications (1 of 4 stars). 4 submissions from 3 submitters: Uncertain significance (3); Benign (1). Last evaluated 2024-11-06.

Conditions:
Gonadotropin-independent familial sexual precocity. Also called: TESTOTOXICOSIS, FAMILIAL; Familial male-limited precocious puberty. Identifiers: Orphanet 3000, MedGen C0342549, MONDO:0008303, OMIM 176410.
Leydig cell agenesis. Also called: Leydig cell hypoplasia, type 1; LEYDIG CELL HYPOPLASIA WITH MALE PSEUDOHERMAPHRODITISM; LEYDIG CELL HYPOPLASIA, COMPLETE; HYPERGONADOTROPIC HYPOGONADISM, MALE, DUE TO LHCGR DEFECT. Identifiers: MedGen C0266432, MONDO:0009384, OMIM 238320.

Allele frequency attached by ClinVar (database versions not stated): gnomAD exomes 0.00031; gnomAD 0.00036 and 0.00041; TOPMed 0.00036; ExAC 0.00037; ESP Exome Variant Server 0.00062.
gnomAD v4.1: 788 of 1,612,040 alleles (0.049%); highest among the groups gnomAD compares: Non-Finnish European, 0.062%; no homozygotes.

Submissions (4):

Blueprint Genetics
Classification: Uncertain significance. Last evaluated: 2024-11-06. Review status: criteria provided, single submitter. Criteria: ACMG Guidelines, 2015. Collection method: clinical testing. Allele origin: germline.

Labcorp Genetics (formerly Invitae), Labcorp
Classification: Uncertain significance. Last evaluated: 2024-08-27. Review status: criteria provided, single submitter. Criteria: Invitae Variant Classification Sherloc (09022015). Collection method: clinical testing. Allele origin: germline.
Comment: This sequence change replaces arginine, which is basic and polar, with glutamine, which is neutral and polar, at codon 124 of the LHCGR protein (p.Arg124Gln). This variant is present in population databases (rs140788691, gnomAD 0.06%). This missense change has been observed in individual(s) with hypoplasia of Leydig cells (PMID: 11849253). ClinVar contains an entry for this variant (Variation ID: 895725). Invitae Evidence Modeling of protein sequence and biophysical properties (such as structural, functional, and spatial information, amino acid conservation, physicochemical variation, residue mobility, and thermodynamic stability) indicates that this missense variant is not expected to disrupt LHCGR protein function with a negative predictive value of 80%. Experimental studies have shown that this missense change affects LHCGR function (PMID: 11849253). Algorithms developed to predict the effect of sequence changes on RNA splicing suggest that this variant may disrupt the consensus splice site. In summary, the available evidence is currently insufficient to determine the role of this variant in disease. Therefore, it has been classified as a Variant of Uncertain Significance.

Illumina Laboratory Services, Illumina
Classification: Benign for Gonadotropin-independent familial sexual precocity. Last evaluated: 2017-04-27. Review status: criteria provided, single submitter. Criteria: ICSL Variant Classification Criteria 13 December 2019. Collection method: clinical testing. Allele origin: germline.
Comment: This variant was observed as part of a predisposition screen in an ostensibly healthy population. A literature search was performed for the gene, cDNA change, and amino acid change (where applicable). No publications were found based on this search. Allele frequency data from public databases was too high to be consistent with this variant causing disease. Therefore, this variant is classified as benign.

Illumina Laboratory Services, Illumina
Classification: Uncertain significance for Leydig cell agenesis. Last evaluated: 2017-04-27. Review status: criteria provided, single submitter. Criteria: ICSL Variant Classification Criteria 13 December 2019. Collection method: clinical testing. Allele origin: germline.
Comment: This variant was observed as part of a predisposition screen in an ostensibly healthy population. A literature search was performed for the gene, cDNA change, and amino acid change (where applicable). Publications were found based on this search. However, the evidence from the literature, in combination with allele frequency data from public databases where available, was not sufficient to rule this variant in or out of causing disease. Therefore, this variant is classified as a variant of unknown significance.

Literature cited by the submitters: PubMed 11849253 (cited by Labcorp Genetics (formerly Invitae), Labcorp and Illumina Laboratory Services, Illumina); PubMed 16123233 (cited by Illumina Laboratory Services, Illumina).

NM_000233.4(LHCGR):c.371G>A (p.Arg124Gln)

Genes: LHCGR (luteinizing hormone/choriogonadotropin receptor; minus strand), STON1-GTF2A1L (STON1-GTF2A1L readthrough; plus strand). Cytogenetic location: 2p16.3.
Variant type: single nucleotide variant.
Coding change: c.371G>A on transcript NM_000233.4 (MANE Select); coding-DNA position 371, G replaced by A.
Protein change: p.Arg124Gln; replaces arginine 124 with glutamine.
Molecular consequence: missense variant. On other transcripts: intron variant (1).
Genome position (GRCh38, 1-based): chr2:48,725,688, C>T on the plus strand (G>A on the coding strand, the complement: LHCGR is on the minus strand). VCF-style: chr2-48725688-C-T. GRCh37 (hg19) VCF-style: chr2-48952827-C-T.
Other names: c.3442-50592C>T (NM_001198593.2); short protein forms R124Q.
Identifiers: ClinVar variation 895725 (VCV000895725.7), dbSNP rs140788691, ClinGen allele CA1653351.